The following is an entry in ClinVar:

NM_024426.6(WT1):c.347C>T (p.Pro116Leu)

Genes: WT1 (WT1 transcription factor; minus strand), LOC107982234 (WT1/WT1-AS bi-directional promoter region; plus strand). Cytogenetic location: 11p13.
Variant type: single nucleotide variant.
Coding change: c.347C>T on transcript NM_024426.6 (MANE Select); coding-DNA position 347, C replaced by T.
Protein change: p.Pro116Leu; replaces proline 116 with leucine.
Molecular consequence: missense variant. On other transcripts: non-coding transcript variant (1).
Genome position (GRCh38, 1-based): chr11:32,435,014, G>A on the plus strand (C>T on the coding strand, the complement: WT1 is on the minus strand). VCF-style: chr11-32435014-G-A. GRCh37 (hg19) VCF-style: chr11-32456560-G-A.
Other names: c.347C>T, p.Pro116Leu (NM_000378.6, NM_024424.5); short protein forms P116L.
Identifiers: ClinVar variation 304425 (VCV000304425.17), dbSNP rs886048229, ClinGen allele CA10638965.

ClinVar aggregate classification (germline): Uncertain significance. Review status: criteria provided, multiple submitters, no conflicts (2 of 4 stars). 7 submissions from 5 submitters: Uncertain significance (7). Last evaluated 2025-01-07.

Conditions:
Hereditary cancer-predisposing syndrome. Also called: Tumor predisposition; Neoplastic Syndromes, Hereditary; Hereditary Cancer Syndrome; Hereditary neoplastic syndrome. Identifiers: Orphanet 140162, MedGen C0027672, MeSH D009386, MONDO:0015356.
Wilms tumor 1 (WT1). Also called: Wilms tumor, somatic. Identifiers: Orphanet 654, MedGen CN033288, MONDO:0008679, OMIM 194070.
Frasier syndrome. Identifiers: Orphanet 347, MedGen C0950122, MeSH D052159, MONDO:0007635, OMIM 136680.
11p partial monosomy syndrome (WAGR). Also called: CHROMOSOME 11p13 DELETION SYNDROME; WAGR syndrome; WAGR Complex; WAGR Spectrum Disorder. Identifiers: Orphanet 893, MedGen C0206115, MONDO:0008681, OMIM 194072.
Drash syndrome (DDS). Also called: NEPHROPATHY, WILMS TUMOR, AND GENITAL ANOMALIES; WILMS TUMOR AND PSEUDO- OR TRUE HERMAPHRODITISM. Identifiers: Orphanet 220, MedGen C0950121, MONDO:0008682, OMIM 194080.
Inborn genetic diseases. Identifiers: MedGen C0950123, MeSH D030342.
Nephrotic syndrome, type 4 (NPHS4). Also called: Familial mesangial sclerosis; Nephrotic syndrome, early onset with diffuse mesangial sclerosis. Identifiers: Orphanet 656, MedGen C3151568, MONDO:0009733, OMIM 256370.
Meacham syndrome. Also called: Meacham Winn Culler syndrome. Identifiers: Orphanet 3097, MedGen C1837026, MONDO:0012164, OMIM 608978.

gnomAD v4.1: 9 of 1,487,664 alleles (0.0006%); highest among the groups gnomAD compares: Non-Finnish European, 0.0008%; no homozygotes.

Submissions (7):

Ambry Genetics
Classification: Uncertain significance for Inborn genetic diseases. Last evaluated: 2025-01-07. Review status: criteria provided, single submitter. Criteria: Ambry Variant Classification Scheme 2023. Collection method: clinical testing. Allele origin: germline.
Comment: The p.P111L variant (also known as c.332C>T), located in coding exon 1 of the WT1 gene, results from a C to T substitution at nucleotide position 332. The proline at codon 111 is replaced by leucine, an amino acid with similar properties. This amino acid position is conserved. In addition, this alteration is predicted to be tolerated by in silico analysis. Based on the available evidence, the clinical significance of this variant remains unclear.

All of Us Research Program, National Institutes of Health
Classification: Uncertain significance for Wilms tumor 1. Last evaluated: 2023-06-26. Review status: criteria provided, single submitter. Criteria: ACMG Guidelines, 2015. Collection method: clinical testing. Allele origin: germline. Inheritance: Autosomal dominant inheritance. Observed: 3 variant alleles, 3 heterozygotes.
Comment: This missense variant replaces proline with leucine at codon 111 in the WT1 protein. Computational prediction suggests that this variant may not impact protein structure and function (internally defined REVEL score threshold <= 0.5, PMID: 27666373). To our knowledge, functional studies have not been reported for this variant. This variant has not been reported in individuals affected with WT1-related disorders in the literature. This variant has not been identified in the general population by the Genome Aggregation Database (gnomAD). The available evidence is insufficient to determine the role of this variant in disease conclusively. Therefore, this variant is classified as a Variant of Uncertain Significance.

This study involves interpretation of variants in research participants for the purpose of population health screening. Participant phenotype was not available at the time of variant classification. Additional details can be found in publication PMID: 35346344, PMCID: PMC8962531

Labcorp Genetics (formerly Invitae), Labcorp
Classification: Uncertain significance for Wilms tumor 1; Drash syndrome; 11p partial monosomy syndrome; Frasier syndrome. Last evaluated: 2022-06-28. Review status: criteria provided, single submitter. Criteria: Invitae Variant Classification Sherloc (09022015). Collection method: clinical testing. Allele origin: germline.
Comment: In summary, the available evidence is currently insufficient to determine the role of this variant in disease. Therefore, it has been classified as a Variant of Uncertain Significance. Algorithms developed to predict the effect of missense changes on protein structure and function (SIFT, PolyPhen-2, Align-GVGD) all suggest that this variant is likely to be disruptive. ClinVar contains an entry for this variant (Variation ID: 304425). This variant has not been reported in the literature in individuals affected with WT1-related conditions. This variant is not present in population databases (gnomAD no frequency). This sequence change replaces proline, which is neutral and non-polar, with leucine, which is neutral and non-polar, at codon 111 of the WT1 protein (p.Pro111Leu).

Sema4
Classification: Uncertain significance for Hereditary cancer-predisposing syndrome. Last evaluated: 2022-02-24. Review status: criteria provided, single submitter. Criteria: Sema4 Curation Guidelines. Collection method: curation. Allele origin: germline.
Comment: The WT1 c.332C>T (p.P111L) variant has not been reported in the literature to our knowledge. This variant is not reported in the population database Genome Aggregation Database (PMID: 32461654). The variant has been reported in ClinVar (Variation ID: 304425). Functional studies have not been performed, and in silico predictions of the variant's effect on protein function are inconclusive. The evidence is insufficient to meet ACMG/AMP criteria for classifying the variant as benign or pathogenic. Thus, the clinical significance of this variant is currently uncertain.

Illumina Laboratory Services, Illumina
Classification: Uncertain significance for Wilms tumor 1. Last evaluated: 2018-01-13. Review status: criteria provided, single submitter. Criteria: ICSL Variant Classification Criteria 13 December 2019. Collection method: clinical testing. Allele origin: germline.

Illumina Laboratory Services, Illumina
Classification: Uncertain significance for Meacham syndrome. Last evaluated: 2018-01-13. Review status: criteria provided, single submitter. Criteria: ICSL Variant Classification Criteria 13 December 2019. Collection method: clinical testing. Allele origin: germline.

Illumina Laboratory Services, Illumina
Classification: Uncertain significance for Nephrotic syndrome, type 4. Last evaluated: 2018-01-13. Review status: criteria provided, single submitter. Criteria: ICSL Variant Classification Criteria 13 December 2019. Collection method: clinical testing. Allele origin: germline.